The following is an entry in ClinVar:

ClinVar aggregate classification (germline): Uncertain significance (1 of 4 stars; one submission).

Allele frequency attached by ClinVar (database versions not stated): gnomAD exomes below 0.00001; gnomAD 0.00001.
gnomAD v4.1: 4 of 1,603,334 alleles (0.00025%); highest among the groups gnomAD compares: East Asian, 0.0045%; no homozygotes.

Submission:

Labcorp Genetics (formerly Invitae), Labcorp
Classification: Uncertain significance. Last evaluated: 2022-06-09. Review status: criteria provided, single submitter. Criteria: Invitae Variant Classification Sherloc (09022015). Collection method: clinical testing. Allele origin: germline.
Comment: In summary, the available evidence is currently insufficient to determine the role of this variant in disease. Therefore, it has been classified as a Variant of Uncertain Significance. Algorithms developed to predict the effect of missense changes on protein structure and function are either unavailable or do not agree on the potential impact of this missense change (SIFT: "Deleterious"; PolyPhen-2: "Possibly Damaging"; Align-GVGD: "Class C15"). This variant has not been reported in the literature in individuals affected with CD2AP-related conditions. This variant is present in population databases (no rsID available, gnomAD 0.01%). This sequence change replaces glutamic acid, which is acidic and polar, with lysine, which is basic and polar, at codon 305 of the CD2AP protein (p.Glu305Lys).

NM_012120.3(CD2AP):c.913G>A (p.Glu305Lys)

Gene: CD2AP (CD2 associated protein; plus strand). Cytogenetic location: 6p12.3.
Variant type: single nucleotide variant.
Coding change: c.913G>A on transcript NM_012120.3 (MANE Select); coding-DNA position 913, G replaced by A.
Protein change: p.Glu305Lys; replaces glutamic acid 305 with lysine.
Molecular consequence: missense variant.
Genome position (GRCh38, 1-based): chr6:47,579,394, G>A. VCF-style: chr6-47579394-G-A. GRCh37 (hg19) VCF-style: chr6-47547130-G-A.
Other names: short protein forms E305K.
Identifiers: ClinVar variation 1904241 (VCV001904241.5), dbSNP rs1375273345, ClinGen allele CA363943585.